The following is an entry in ClinVar:

NM_001322934.2(NFKB2):c.2122C>G (p.Pro708Ala)

Gene: NFKB2 (nuclear factor kappa B subunit 2; plus strand). Cytogenetic location: 10q24.32.
Variant type: single nucleotide variant.
Coding change: c.2122C>G on transcript NM_001322934.2 (MANE Select); coding-DNA position 2122, C replaced by G.
Protein change: p.Pro708Ala; replaces proline 708 with alanine.
Molecular consequence: missense variant.
Genome position (GRCh38, 1-based): chr10:102,401,230, C>G. VCF-style: chr10-102401230-C-G. GRCh37 (hg19) VCF-style: chr10-104160987-C-G.
Other names: c.2122C>G, p.Pro708Ala (NM_001077494.3, NM_001261403.3, NM_001288724.1 and 1 more transcripts); c.1996C>G, p.Pro666Ala (NM_001322935.1); short protein forms P666A, P708A.
Identifiers: ClinVar variation 955398 (VCV000955398.9), dbSNP rs1237396659, ClinGen allele CA377904150.

ClinVar aggregate classification (germline): Uncertain significance (1 of 4 stars; one submission).

Conditions:
Immunodeficiency, common variable, 10. Also called: DEFICIT IN ANTERIOR PITUITARY FUNCTION AND VARIABLE IMMUNODEFICIENCY; IMMUNODEFICIENCY, COMMON VARIABLE, WITH CENTRAL ADRENAL INSUFFICIENCY. Identifiers: MedGen C3809991, MONDO:0014260, OMIM 615577.

Allele frequency attached by ClinVar (database versions not stated): gnomAD exomes below 0.00001.
gnomAD v4.1: 1 of 1,610,456 alleles (0.000062%); no homozygotes.

Submission:

Labcorp Genetics (formerly Invitae), Labcorp
Classification: Uncertain significance for Immunodeficiency, common variable, 10. Last evaluated: 2019-11-07. Review status: criteria provided, single submitter. Criteria: Invitae Variant Classification Sherloc (09022015). Collection method: clinical testing. Allele origin: germline.
Comment: This variant is not present in population databases (ExAC no frequency). In summary, the available evidence is currently insufficient to determine the role of this variant in disease. Therefore, it has been classified as a Variant of Uncertain Significance. Algorithms developed to predict the effect of sequence changes on RNA splicing suggest that this variant may create or strengthen a splice site, but this prediction has not been confirmed by published transcriptional studies. Algorithms developed to predict the effect of missense changes on protein structure and function (SIFT, PolyPhen-2, Align-GVGD) all suggest that this variant is likely to be tolerated, but these predictions have not been confirmed by published functional studies and their clinical significance is uncertain. This variant has not been reported in the literature in individuals with NFKB2-related conditions. This sequence change replaces proline with alanine at codon 708 of the NFKB2 protein (p.Pro708Ala). The proline residue is weakly conserved and there is a small physicochemical difference between proline and alanine.